The following is an entry in ClinVar:

ClinVar aggregate classification (germline): Conflicting classifications of pathogenicity. Review status: criteria provided, conflicting classifications (1 of 4 stars). 2 submissions from 2 submitters: Uncertain significance (1); Likely benign (1). Last evaluated 2025-03-27.

Conditions:
KBG syndrome (KBGS). Also called: ANKRD11-Related KBG Syndrome. Identifiers: Orphanet 2332, MedGen C0220687, MONDO:0007846, OMIM 148050.
Inborn genetic diseases. Identifiers: MedGen C0950123, MeSH D030342.

Allele frequency attached by ClinVar (database versions not stated): ExAC 0.00002.
gnomAD v4.1: 29 of 1,611,660 alleles (0.0018%); highest among the groups gnomAD compares: African/African-American, 0.0027%; no homozygotes.

Submissions (2):

Ambry Genetics
Classification: Likely benign for Inborn genetic diseases. Last evaluated: 2025-03-27. Review status: criteria provided, single submitter. Criteria: Ambry Variant Classification Scheme 2023. Collection method: clinical testing. Allele origin: germline.

Labcorp Genetics (formerly Invitae), Labcorp
Classification: Uncertain significance for KBG syndrome. Last evaluated: 2022-09-13. Review status: criteria provided, single submitter. Criteria: Invitae Variant Classification Sherloc (09022015). Collection method: clinical testing. Allele origin: germline.
Comment: This sequence change replaces arginine, which is basic and polar, with histidine, which is basic and polar, at codon 961 of the ANKRD11 protein (p.Arg961His). This variant is present in population databases (rs750887042, gnomAD 0.003%). This variant has not been reported in the literature in individuals affected with ANKRD11-related conditions. Advanced modeling of protein sequence and biophysical properties (such as structural, functional, and spatial information, amino acid conservation, physicochemical variation, residue mobility, and thermodynamic stability) performed at Invitae indicates that this missense variant is not expected to disrupt ANKRD11 protein function. In summary, the available evidence is currently insufficient to determine the role of this variant in disease. Therefore, it has been classified as a Variant of Uncertain Significance.

NM_013275.6(ANKRD11):c.2882G>A (p.Arg961His)

Gene: ANKRD11 (ankyrin repeat domain 11; minus strand). Cytogenetic location: 16q24.3.
Variant type: single nucleotide variant.
Coding change: c.2882G>A on transcript NM_013275.6 (MANE Select); coding-DNA position 2882, G replaced by A.
Protein change: p.Arg961His; replaces arginine 961 with histidine.
Molecular consequence: missense variant.
Genome position (GRCh38, 1-based): chr16:89,283,660, C>T on the plus strand (G>A on the coding strand, the complement: ANKRD11 is on the minus strand). VCF-style: chr16-89283660-C-T. GRCh37 (hg19) VCF-style: chr16-89350068-C-T.
Other names: c.2882G>A, p.Arg961His (NM_001256182.2, NM_001256183.2); c.2882G>A (NM_013275.4); short protein forms R961H.
Identifiers: ClinVar variation 2187470 (VCV002187470.2), dbSNP rs750887042, ClinGen allele CA8242487.
Genomic context (GRCh38, chr16:89,283,660, plus strand): 5'-CAGCCACACTCCTTCAGCTCCTCCCGGTGCGCCTCCTCGGGCTTGGCCCTGCCGTCCCTG[C>T]GCTCCTTGCAGCTCTCCAGGGCGTCCTTTCTGTCCCGCCCGGCCTCTGCGGACTCTCTCC-3'
Protein context (NP_037407.4, residues 951-971): RKDALESCKE[Arg961His]RDGRAKPEEA